The following is an entry in ClinVar:

NM_203486.3(DLL3):c.1136G>A (p.Cys379Tyr)

Gene: DLL3 (delta like canonical Notch ligand 3; plus strand). Cytogenetic location: 19q13.2.
Variant type: single nucleotide variant.
Coding change: c.1136G>A on transcript NM_203486.3 (MANE Select); coding-DNA position 1136, G replaced by A.
Protein change: p.Cys379Tyr; replaces cysteine 379 with tyrosine.
Molecular consequence: missense variant.
Genome position (GRCh38, 1-based): chr19:39,507,081, G>A. VCF-style: chr19-39507081-G-A. GRCh37 (hg19) VCF-style: chr19-39997721-G-A.
Other names: c.1136G>A, p.Cys379Tyr (NM_016941.4); short protein forms C379Y.
Identifiers: ClinVar variation 191104 (VCV000191104.2), dbSNP rs786205519, ClinGen allele CA236024.

ClinVar aggregate classification (germline): Pathogenic/Likely pathogenic. Review status: criteria provided, multiple submitters, no conflicts (2 of 4 stars). 2 submissions from 2 submitters: Pathogenic (1); Likely pathogenic (1). Last evaluated 2019-11-08.

Conditions:
Spondylocostal dysostosis 1, autosomal recessive (SCDO1). Also called: DLL3-Related Spondylocostal Dysostosis, Autosomal Recessive. Identifiers: Orphanet 2311, MedGen CN032975, MONDO:0020692, OMIM 277300.

Allele frequency attached by ClinVar (database versions not stated): gnomAD 0.00003.

Submissions (2):

Baylor Genetics
Classification: Pathogenic for Spondylocostal dysostosis 1, autosomal recessive. Last evaluated: 2019-11-08. Review status: criteria provided, single submitter. Criteria: ACMG Guidelines, 2015. Collection method: clinical testing. Allele origin: unknown. Affected: yes.
Comment: This variant was determined to be pathogenic according to ACMG Guidelines, 2015 [PMID:25741868].

Genomic Medicine Center of Excellence, King Faisal Specialist Hospital and Research Centre
Classification: Likely pathogenic. Review status: criteria provided, single submitter. Criteria: ACMG Guidelines, 2015. Collection method: research. Allele origin: germline. Affected: yes.